The following is an entry in ClinVar:

ClinVar aggregate classification (germline): Uncertain significance (1 of 4 stars; one submission).

Submission:

Labcorp Genetics (formerly Invitae), Labcorp
Classification: Uncertain significance. Last evaluated: 2024-04-24. Review status: criteria provided, single submitter. Criteria: Invitae Variant Classification Sherloc (09022015). Collection method: clinical testing. Allele origin: germline.
Comment: This sequence change replaces asparagine, which is neutral and polar, with serine, which is neutral and polar, at codon 511 of the FOXP1 protein (p.Asn511Ser). This variant is not present in population databases (gnomAD no frequency). This variant has not been reported in the literature in individuals affected with FOXP1-related conditions. An algorithm developed to predict the effect of missense changes on protein structure and function (PolyPhen-2) suggests that this variant is likely to be tolerated. In summary, the available evidence is currently insufficient to determine the role of this variant in disease. Therefore, it has been classified as a Variant of Uncertain Significance.

NM_001349338.3(FOXP1):c.1532A>G (p.Asn511Ser)

Gene: FOXP1 (forkhead box P1; minus strand). Cytogenetic location: 3p13.
Variant type: single nucleotide variant.
Coding change: c.1532A>G on transcript NM_001349338.3 (MANE Select); coding-DNA position 1532, A replaced by G.
Protein change: p.Asn511Ser; replaces asparagine 511 with serine.
Molecular consequence: missense variant. On other transcripts: non-coding transcript variant (2), intron variant (1).
Genome position (GRCh38, 1-based): chr3:70,972,675, T>C on the plus strand (A>G on the coding strand, the complement: FOXP1 is on the minus strand). VCF-style: chr3-70972675-T-C. GRCh37 (hg19) VCF-style: chr3-71021826-T-C.
Other names: c.1529A>G, p.Asn510Ser (NM_001244808.3, NM_001349341.3); c.1304A>G, p.Asn435Ser (NM_001244812.3); c.1232A>G, p.Asn411Ser (NM_001244813.3, NM_001244815.2, NM_001349342.3); c.1532A>G, p.Asn511Ser (NM_001244814.3, NM_001244816.2, NM_001349340.3 and 1 more transcripts); c.1229A>G, p.Asn410Ser (NM_001349337.2, NM_001349343.3, NM_001349344.3 and 1 more transcripts); c.1531-495A>G (NM_001244810.2); short protein forms N411S, N510S, N410S, N435S, N511S.
Identifiers: ClinVar variation 3650690 (VCV003650690.2).